The following is an entry in ClinVar:

ClinVar aggregate classification (germline): Pathogenic (1 of 4 stars; one submission).

Conditions:
Neuromuscular disease caused by qualitative or quantitative defects of dysferlin. Also called: Qualitative or quantitative defects of dysferlin; Dysferlinopathy. Identifiers: Orphanet 207073, MedGen C2931687, MONDO:0016145.

Submission:

Labcorp Genetics (formerly Invitae), Labcorp
Classification: Pathogenic for Neuromuscular disease caused by qualitative or quantitative defects of dysferlin. Last evaluated: 2020-12-04. Review status: criteria provided, single submitter. Criteria: Invitae Variant Classification Sherloc (09022015). Collection method: clinical testing. Allele origin: germline.
Comment: For these reasons, this variant has been classified as Pathogenic. This variant has not been reported in the literature in individuals with DYSF-related conditions. This variant is not present in population databases (ExAC no frequency). This sequence change creates a premature translational stop signal (p.Val862Glyfs*2) in the DYSF gene. It is expected to result in an absent or disrupted protein product. Loss-of-function variants in DYSF are known to be pathogenic (PMID: 17698709, 20301480).

Literature cited by the submitters: PubMed 17698709; PubMed 20301480.

NM_001130987.2(DYSF):c.2635_2636del (p.Val880fs)

Gene: DYSF (dysferlin; plus strand). Cytogenetic location: 2p13.2.
Variant type: Microsatellite.
Coding change: c.2635_2636del on transcript NM_001130987.2 (MANE Select); coding-DNA positions 2635 to 2636, 2 bases deleted (TC; older notation c.2635_2636delTC).
Protein change: p.Val880fs; shifts the reading frame from valine 880.
Molecular consequence: frameshift variant.
Genome position (GRCh38, 1-based): chr2:71,568,020-71,568,021, TC deleted; deleting any 2 consecutive bases within chr2:71,568,017-71,568,021 gives the same sequence; the c. name uses the placement nearest the transcript's 3' end. VCF-style (leftmost placement, unchanged base first): chr2-71568016-GCT-G. GRCh37 (hg19) VCF-style: chr2-71795146-GCT-G.
Other names: c.2542_2543del, p.Val849fs (NM_001130984.2, NM_001130986.2); c.2635_2636del, p.Val880fs (NM_001130985.2); c.2581_2582del, p.Val862fs (NM_003494.4, NM_001130978.2); c.2584_2585del, p.Val863fs (NM_001130455.2, NM_001130983.2); c.2539_2540del, p.Val848fs (NM_001130976.2, NM_001130977.2); c.2674_2675del, p.Val893fs (NM_001130979.2); c.2632_2633del, p.Val879fs (NM_001130980.2, NM_001130981.2); c.2677_2678del, p.Val894fs (NM_001130982.2); short protein forms V862fs, V880fs, V848fs, V849fs, V893fs, V863fs, V879fs, V894fs.
Identifiers: ClinVar variation 1380889 (VCV001380889.6), dbSNP rs2152811004, ClinGen allele CA2580611650.
Genomic context (GRCh38, chr2:71,568,016, plus strand): 5'-GATGGAGAAGGTGCCTGGCGCCCGGATGCCAGTGCAGATACGGGTCAAGCTGTGGTTTGG[GCT>G]CTCAGTGGATGAGAAGGAGTTCAACCAGTTTGCTGAGGGGAAGCTGTCTGTCTTTGCTGA-3'